The following is an entry in ClinVar:

ClinVar aggregate classification (germline): Conflicting classifications of pathogenicity. Review status: criteria provided, conflicting classifications (1 of 4 stars). 6 submissions from 6 submitters: Uncertain significance (4); Likely benign (2). Last evaluated 2026-01-16.

Conditions:
DNAH11-related disorder. Also called: DNAH11-related condition.
Primary ciliary dyskinesia. Also called: Ciliary dyskinesia. Identifiers: Orphanet 244, MedGen C0008780, MONDO:0016575, HP:0012265.

Allele frequency attached by ClinVar (database versions not stated): ESP Exome Variant Server 0.00008; TOPMed 0.00017; gnomAD 0.00018 and 0.00023; 1000 Genomes Project 30x 0.00031; 1000 Genomes Project 0.00040; ExAC 0.00048; gnomAD exomes 0.00050.
gnomAD v4.1: 400 of 1,613,464 alleles (0.025%); highest among the groups gnomAD compares: South Asian, 0.2%; 3 homozygotes.

Submissions (6):

Labcorp Genetics (formerly Invitae), Labcorp
Classification: Likely benign for Primary ciliary dyskinesia. Last evaluated: 2026-01-16. Review status: criteria provided, single submitter. Criteria: Invitae Variant Classification Sherloc (09022015). Collection method: clinical testing. Allele origin: germline.

PreventionGenetics, part of Exact Sciences
Classification: Likely benign for DNAH11-related condition. Last evaluated: 2025-05-06. Review status: criteria provided, single submitter. Criteria: ACMG Guidelines, 2015. Collection method: clinical testing. Allele origin: germline.
Comment: This variant is classified as likely benign based on ACMG/AMP sequence variant interpretation guidelines (Richards et al. 2015 PMID: 25741868, with internal and published modifications).

Institute Of Molecular Biology And Genetics, Federal Almazov National Medical Research Centre
Classification: Uncertain significance for Primary ciliary dyskinesia. Last evaluated: 2023-12-11. Review status: criteria provided, single submitter. Criteria: ACMG Guidelines, 2015. Collection method: clinical testing. Allele origin: paternal. Affected: yes. Observed: 1 variant allele.
Comment: This sequence change replaces proline with threonine at evolutionary conserved position 942 of the DNAH11 protein (p.Pro942Thr). The c.2824C>A has a low allele frequency in gnomAD Genomes (Version 3.1.2: ƒ = 0.000237) and several ClinVar submissions with conflicting interpretations of pathogenicity (variation ID 359618). In summary, the available evidence is currently insufficient to determine the role of this variant in disease. Therefore, it has been classified as a Variant of Uncertain Significance.

CeGaT Center for Human Genetics Tuebingen
Classification: Uncertain significance. Last evaluated: 2022-07-01. Review status: criteria provided, single submitter. Criteria: CeGaT Center For Human Genetics Tuebingen Variant Classification Criteria Version 2. Collection method: clinical testing. Allele origin: germline. Affected: yes. Observed: 1 variant allele.
Comment: DNAH11: PM2, BP4

GeneDx
Classification: Uncertain significance. Last evaluated: 2019-01-24. Review status: criteria provided, single submitter. Criteria: GeneDx Variant Classification Process June 2021. Collection method: clinical testing. Allele origin: germline. Affected: yes.
Comment: In silico analysis, which includes protein predictors and evolutionary conservation, supports a deleterious effect; Has not been previously published as pathogenic or benign to our knowledge

Ambry Genetics
Classification: Uncertain significance for Primary ciliary dyskinesia. Last evaluated: 2017-12-20. Review status: criteria provided, single submitter. Criteria: Ambry Variant Classification Scheme 2023. Collection method: clinical testing. Allele origin: germline.
Comment: The p.P942T variant (also known as c.2824C>A), located in coding exon 15 of the DNAH11 gene, results from a C to A substitution at nucleotide position 2824. The proline at codon 942 is replaced by threonine, an amino acid with highly similar properties. This amino acid position is highly conserved in available vertebrate species. In addition, this alteration is predicted to be tolerated by in silico analysis. Since supporting evidence is limited at this time, the clinical significance of this alteration remains unclear.

NM_001277115.2(DNAH11):c.2824C>A (p.Pro942Thr)

Gene: DNAH11 (dynein axonemal heavy chain 11; plus strand). Cytogenetic location: 7p15.3.
Variant type: single nucleotide variant.
Coding change: c.2824C>A on transcript NM_001277115.2 (MANE Select); coding-DNA position 2824, C replaced by A.
Protein change: p.Pro942Thr; replaces proline 942 with threonine.
Molecular consequence: missense variant.
Genome position (GRCh38, 1-based): chr7:21,599,943, C>A. VCF-style: chr7-21599943-C-A. GRCh37 (hg19) VCF-style: chr7-21639561-C-A.
Other names: short protein forms P942T.
Identifiers: ClinVar variation 359618 (VCV000359618.45), dbSNP rs189569144, ClinGen allele CA4179446.
Genomic context (GRCh38, chr7:21,599,943, plus strand): 5'-GCTATAATGCACGACTTAGACTTCTTTCTGAAGAATACAGAGAAACAATTGAAACCGGCA[C>A]CGTTTTTTCAAGCACAAATGATCTTGTTGCCTCCTGAGATTGTGTTTAAACCTTCCCTAG-3'
Protein context (NP_001264044.1, residues 932-952): KNTEKQLKPA[Pro942Thr]FFQAQMILLP